The following is an entry in ClinVar:

ClinVar aggregate classification (germline): Uncertain significance (1 of 4 stars; one submission).

Conditions:
Autosomal dominant nocturnal frontal lobe epilepsy 5. Also called: Epilepsy, nocturnal frontal lobe, 5; CILIARY DYSKINESIA, PRIMARY, 28, WITHOUT SITUS INVERSUS; CILIARY DYSKINESIA, PRIMARY, 28, WITH SITUS INVERSUS; KCNT1-Related Epilepsy. Identifiers: Orphanet 98784, MedGen C3554306, MONDO:0014002, OMIM 615005.
Developmental and epileptic encephalopathy, 14 (DEE14). Also called: Early infantile epileptic encephalopathy 14. Identifiers: Orphanet 293181, MedGen C3554195, MONDO:0013989, OMIM 614959.

Submission:

Labcorp Genetics (formerly Invitae), Labcorp
Classification: Uncertain significance for Autosomal dominant nocturnal frontal lobe epilepsy 5; Developmental and epileptic encephalopathy, 14. Last evaluated: 2021-04-14. Review status: criteria provided, single submitter. Criteria: Invitae Variant Classification Sherloc (09022015). Collection method: clinical testing. Allele origin: germline.
Comment: In summary, the available evidence is currently insufficient to determine the role of this variant in disease. Therefore, it has been classified as a Variant of Uncertain Significance. Algorithms developed to predict the effect of sequence changes on RNA splicing suggest that this variant may disrupt the consensus splice site, but this prediction has not been confirmed by published transcriptional studies. This variant has not been reported in the literature in individuals with KCNT1-related conditions. This variant is not present in population databases (ExAC no frequency). This sequence change affects an acceptor splice site in intron 26 of the KCNT1 gene. It is expected to disrupt RNA splicing. Variants that disrupt the donor or acceptor splice site typically lead to a loss of protein function (PMID: 16199547), however the current clinical and genetic evidence is not sufficient to establish whether loss-of-function variants in KCNT1 cause disease.

Literature cited by the submitters: PubMed 16199547.

NM_020822.3(KCNT1):c.3028-2A>T

Gene: KCNT1 (potassium sodium-activated channel subfamily T member 1; plus strand). Cytogenetic location: 9q34.3.
Variant type: single nucleotide variant.
Coding change: c.3028-2A>T on transcript NM_020822.3 (MANE Select); the canonical splice acceptor site of the intron before coding-DNA position 3028, A replaced by T.
Molecular consequence: splice acceptor variant.
Genome position (GRCh38, 1-based): chr9:135,784,759, A>T. VCF-style: chr9-135784759-A-T. GRCh37 (hg19) VCF-style: chr9-138676605-A-T.
Other names: c.2893-2A>T (NM_001272003.2).
Identifiers: ClinVar variation 1345465 (VCV001345465.8), dbSNP rs2131575343, ClinGen allele CA375518021.
Genomic context (GRCh38, chr9:135,784,759, plus strand): 5'-GTGGCCAGGAGGCTCTGGGTGCTGCCACCTGCCCCAGCCAACTCAGGGTTCCCACCCTGC[A>T]GATGAAAATCACCGAGGGCGACCTGTGGATCCGCACGTACGGCCGCCTCTTCCAGAAGCT-3'